The following is an entry in ClinVar:

NM_024577.4(SH3TC2):c.*9953C>T

Gene: SH3TC2 (SH3 domain and tetratricopeptide repeats 2; minus strand). Cytogenetic location: 5q32.
Variant type: single nucleotide variant.
Coding change: c.*9953C>T on transcript NM_024577.4 (MANE Select); 9953 bases downstream of the stop codon, C replaced by T.
Molecular consequence: 3 prime UTR variant.
Genome position (GRCh38, 1-based): chr5:148,994,758, G>A on the plus strand (C>T on the coding strand, the complement: SH3TC2 is on the minus strand). VCF-style: chr5-148994758-G-A. GRCh37 (hg19) VCF-style: chr5-148374321-G-A.
Identifiers: ClinVar variation 351736 (VCV000351736.5), dbSNP rs535186520, ClinGen allele CA10623249.
Genomic context (GRCh38, chr5:148,994,758, plus strand): 5'-GGATGGATGGATGGATGGATGGATGGATGGATGGATGGATGAATAGATGGATGAATAGAT[G>A]GATGAATAGATGGATAACCGTCTGCATCCTCTGTCCCAAAGGAGCTAAACTCAGACTTTT-3'

ClinVar aggregate classification (germline): Likely benign. Review status: criteria provided, single submitter (1 of 4 stars). 2 submissions from 1 submitter: Likely benign (2). Last evaluated 2018-01-12.

Conditions:
Charcot-Marie-Tooth disease type 4C (CMT4C). Also called: CHARCOT-MARIE-TOOTH DISEASE, DEMYELINATING, AUTOSOMAL RECESSIVE, TYPE 4C; CMT 4C; Charcot-Marie-Tooth Neuropathy Type 4C (CMT4C); CHARCOT-MARIE-TOOTH DISEASE, DEMYELINATING, TYPE 4C; SH3TC2-Related Hereditary Motor and Sensory Neuropathy. Identifiers: Orphanet 99949, MedGen C1866636, MONDO:0011113, OMIM 601596.
Susceptibility to mononeuropathy of the median nerve, mild. Also called: CARPAL TUNNEL SYNDROME, SUSCEPTIBILITY TO. Identifiers: MedGen C3150596, MONDO:0013237, OMIM 613353.

Allele frequency attached by ClinVar (database versions not stated): gnomAD 0.00046; 1000 Genomes Project 30x 0.00047; TOPMed 0.00051; 1000 Genomes Project 0.00080.
gnomAD v4.1: 70 of 152,120 alleles (0.046%); highest among the groups gnomAD compares: Admixed American, 0.25%; no homozygotes.

Submissions (2):

Illumina Laboratory Services, Illumina
Classification: Likely benign for Charcot-Marie-Tooth disease type 4C. Last evaluated: 2018-01-12. Review status: criteria provided, single submitter. Criteria: ICSL Variant Classification Criteria 13 December 2019. Collection method: clinical testing. Allele origin: germline.
Comment: This variant was observed in the ICSL laboratory as part of a predisposition screen in an ostensibly healthy population. It had not been previously curated by ICSL or reported in the Human Gene Mutation Database (HGMD: prior to June 1st, 2018), and was therefore a candidate for classification through an automated scoring system. Utilizing variant allele frequency, disease prevalence and penetrance estimates, and inheritance mode, an automated score was calculated to assess if this variant is too frequent to cause the disease. Based on the score and internal cut-off values, a variant classified as likely benign is not then subjected to further curation. The score for this variant resulted in a classification of likely benign for this disease.

Illumina Laboratory Services, Illumina
Classification: Likely benign for Susceptibility to mononeuropathy of the median nerve, mild. Last evaluated: 2018-01-12. Review status: criteria provided, single submitter. Criteria: ICSL Variant Classification Criteria 13 December 2019. Collection method: clinical testing. Allele origin: germline.
Comment: the same text as in the submission from Illumina Laboratory Services, Illumina above.